The following is an entry in ClinVar:

NM_022437.3(ABCG8):c.370G>A (p.Gly124Ser)

Gene: ABCG8 (ATP binding cassette subfamily G member 8; plus strand). Cytogenetic location: 2p21.
Variant type: single nucleotide variant.
Coding change: c.370G>A on transcript NM_022437.3 (MANE Select); coding-DNA position 370, G replaced by A.
Protein change: p.Gly124Ser; replaces glycine 124 with serine.
Molecular consequence: missense variant.
Genome position (GRCh38, 1-based): chr2:43,851,631, G>A. VCF-style: chr2-43851631-G-A. GRCh37 (hg19) VCF-style: chr2-44078770-G-A.
Other names: c.370G>A, p.Gly124Ser (NM_001357321.2); short protein forms G124S.
Identifiers: ClinVar variation 1186424 (VCV001186424.11), dbSNP rs143276716, ClinGen allele CA1636999.

ClinVar aggregate classification (germline): Uncertain significance. Review status: criteria provided, multiple submitters, no conflicts (2 of 4 stars). 5 submissions from 5 submitters: Uncertain significance (5). Last evaluated 2026-01-26.

Conditions:
ABCG8-related disorder. Also called: ABCG8-related condition.
Sitosterolemia 1. Identifiers: MedGen C2749759, MONDO:0020747, OMIM 210250.
Cardiovascular phenotype. Identifiers: MedGen CN230736.

Allele frequency attached by ClinVar (database versions not stated): gnomAD 0.00008 and 0.00007; ESP Exome Variant Server 0.00015; ExAC 0.00002; gnomAD exomes 0.00002; TOPMed 0.00005.

Submissions (5):

Labcorp Genetics (formerly Invitae), Labcorp
Classification: Uncertain significance. Last evaluated: 2026-01-26. Review status: criteria provided, single submitter. Criteria: Invitae Variant Classification Sherloc (09022015). Collection method: clinical testing. Allele origin: germline.
Comment: This sequence change replaces glycine, which is neutral and non-polar, with serine, which is neutral and polar, at codon 124 of the ABCG8 protein (p.Gly124Ser). This variant is present in population databases (rs143276716, gnomAD 0.01%). This missense change has been observed in individual(s) with clinical features of ABCG8-related conditions (PMID: 32041611). ClinVar contains an entry for this variant (Variation ID: 1186424). Invitae Evidence Modeling of protein sequence and biophysical properties (such as structural, functional, and spatial information, amino acid conservation, physicochemical variation, residue mobility, and thermodynamic stability) indicates that this missense variant is not expected to disrupt ABCG8 protein function with a negative predictive value of 80%. In summary, the available evidence is currently insufficient to determine the role of this variant in disease. Therefore, it has been classified as a Variant of Uncertain Significance.

Ambry Genetics
Classification: Uncertain significance for Cardiovascular phenotype. Last evaluated: 2025-11-19. Review status: criteria provided, single submitter. Criteria: Ambry Variant Classification Scheme 2023. Collection method: clinical testing. Allele origin: germline.
Comment: The p.G124S variant (also known as c.370G>A), located in coding exon 4 of the ABCG8 gene, results from a G to A substitution at nucleotide position 370. The glycine at codon 124 is replaced by serine, an amino acid with similar properties. This amino acid position is well conserved in available vertebrate species. In addition, the in silico prediction for this alteration is inconclusive. Based on the available evidence, the clinical significance of this variant remains unclear.

PreventionGenetics, part of Exact Sciences
Classification: Uncertain significance for ABCG8-related condition. Last evaluated: 2025-05-15. Review status: criteria provided, single submitter. Criteria: ACMG Guidelines, 2015. Collection method: clinical testing. Allele origin: germline.
Comment: The ABCG8 c.370G>A variant is predicted to result in the amino acid substitution p.Gly124Ser. This variant has been reported in at least one individual undergoing genetic testing for a dyslipidemia and metabolic disorder panel (Tables S3 and S4, Dron et al 2020. PubMed ID: 32041611). This variant is reported in 0.012% of alleles in individuals of African descent in gnomAD. At this time, the clinical significance of this variant is uncertain due to the absence of conclusive functional and genetic evidence.

Revvity Omics, Revvity
Classification: Uncertain significance for Sitosterolemia 1. Last evaluated: 2023-07-20. Review status: criteria provided, single submitter. Criteria: ACMG Guidelines, 2015. Collection method: clinical testing. Allele origin: germline.

GeneDx
Classification: Uncertain significance. Last evaluated: 2019-09-27. Review status: criteria provided, single submitter. Criteria: GeneDx Variant Classification Process June 2021. Collection method: clinical testing. Allele origin: germline. Affected: yes.
Comment: Has not been previously published as pathogenic or benign to our knowledge; Not observed at a significant frequency in large population cohorts (Lek et al., 2016); In silico analysis, which includes protein predictors and evolutionary conservation, supports a deleterious effect; This variant is associated with the following publications: (PMID: 32041611)

Literature cited by the submitters: PubMed 32041611 (cited by Labcorp Genetics (formerly Invitae), Labcorp).